The following is an entry in ClinVar:

NM_000268.4(NF2):c.240+2T>C

Gene: NF2 (NF2, moesin-ezrin-radixin like (MERLIN) tumor suppressor; plus strand). Cytogenetic location: 22q12.2.
Variant type: single nucleotide variant.
Coding change: c.240+2T>C on transcript NM_000268.4 (MANE Select); the canonical splice donor site of the intron after coding-DNA position 240, T replaced by C.
Molecular consequence: splice donor variant. On other transcripts: 5 prime UTR variant (1), intron variant (6).
Genome position (GRCh38, 1-based): chr22:29,636,878, T>C. VCF-style: chr22-29636878-T-C. GRCh37 (hg19) VCF-style: chr22-30032867-T-C.
Other names: c.-15T>C (NM_001407067.1); c.240+2T>C (NM_016418.5, NM_181832.3, NM_001407060.1 and 9 more transcripts); c.126+2T>C (NM_001407056.1, NM_001407053.1); c.-401+2T>C (NM_001407065.1); c.115-2212T>C (NM_181828.3, NM_001407055.1); c.115-5324T>C (NM_001407063.1, NM_181830.3, NM_001407064.1 and 1 more transcripts).
Identifiers: ClinVar variation 1072589 (VCV001072589.10), dbSNP rs2146854993, ClinGen allele CA411152746.

ClinVar aggregate classification (germline): Pathogenic. Review status: criteria provided, multiple submitters, no conflicts (2 of 4 stars). 2 submissions from 2 submitters: Pathogenic (2). Last evaluated 2025-10-17.

Conditions:
Neurofibromatosis, type 2 (SWNV). Also called: BILATERAL ACOUSTIC NEUROFIBROMATOSIS; SCHWANNOMATOSIS, VESTIBULAR; NF2-Related Schwannomatosis. Identifiers: Orphanet 637, MedGen C0027832, MONDO:0007039, OMIM 101000. Disease mechanism: loss of function.

Submissions (2):

Dasa
Classification: Pathogenic. Last evaluated: 2025-10-17. Review status: criteria provided, single submitter. Criteria: DASA Assertion Criteria. Collection method: clinical testing. Allele origin: germline.
Comment: NM_000268.4(NF2):c.240+2T>C affects a canonical splice site and is predicted to disrupt normal RNA splicing, leading to loss of normal protein function. Loss-of-function is an established mechanism of disease for this gene. This variant results in the same amino acid change as a previously established pathogenic variant. The variant is present at low frequency in population datasets. Based on the available data, this variant is classified as pathogenic.

Labcorp Genetics (formerly Invitae), Labcorp
Classification: Pathogenic for Neurofibromatosis, type 2. Last evaluated: 2022-08-18. Review status: criteria provided, single submitter. Criteria: Invitae Variant Classification Sherloc (09022015). Collection method: clinical testing. Allele origin: germline.
Comment: ClinVar contains an entry for this variant (Variation ID: 1072589). This sequence change affects a donor splice site in intron 2 of the NF2 gene. It is expected to disrupt RNA splicing. Variants that disrupt the donor or acceptor splice site typically lead to a loss of protein function (PMID: 16199547), and loss-of-function variants in NF2 are known to be pathogenic (PMID: 9643284, 16983642). This variant is not present in population databases (gnomAD no frequency). Disruption of this splice site has been observed in individuals with clinical features of neurofibromatosis type 2 (PMID: 7913580, 18554169; Invitae). This variant is also known as IVS2+2T>C. Algorithms developed to predict the effect of sequence changes on RNA splicing suggest that this variant may disrupt the consensus splice site. For these reasons, this variant has been classified as Pathogenic.

Literature cited by the submitters: PubMed 16199547 (cited by Labcorp Genetics (formerly Invitae), Labcorp); PubMed 9643284 (cited by Labcorp Genetics (formerly Invitae), Labcorp); PubMed 16983642 (cited by Labcorp Genetics (formerly Invitae), Labcorp); PubMed 7913580 (cited by Labcorp Genetics (formerly Invitae), Labcorp); PubMed 18554169 (cited by Labcorp Genetics (formerly Invitae), Labcorp).